The following is an entry in ClinVar:

NM_020297.4(ABCC9):c.2857G>A (p.Glu953Lys)

Gene: ABCC9 (ATP binding cassette subfamily C member 9; minus strand). Cytogenetic location: 12p12.1.
Variant type: single nucleotide variant.
Coding change: c.2857G>A on transcript NM_020297.4 (MANE Select); coding-DNA position 2857, G replaced by A.
Protein change: p.Glu953Lys; replaces glutamic acid 953 with lysine.
Molecular consequence: missense variant.
Genome position (GRCh38, 1-based): chr12:21,848,159, C>T on the plus strand (G>A on the coding strand, the complement: ABCC9 is on the minus strand). VCF-style: chr12-21848159-C-T. GRCh37 (hg19) VCF-style: chr12-22001093-C-T.
Other names: c.2857G>A (NM_020297.2); c.2857G>A, p.Glu953Lys (NM_001377273.1, NM_005691.4); c.1990G>A, p.Glu664Lys (NM_001377274.1); short protein forms E953K, E664K.
Identifiers: ClinVar variation 533282 (VCV000533282.12), dbSNP rs143685061, ClinGen allele CA6481267.

ClinVar aggregate classification (germline): Conflicting classifications of pathogenicity. Review status: criteria provided, conflicting classifications (1 of 4 stars). 5 submissions from 5 submitters: Uncertain significance (3); Likely benign (2). Last evaluated 2025-11-18.

Conditions:
Cardiovascular phenotype. Identifiers: MedGen CN230736.
Atrial fibrillation, familial, 12 (ATFB12). Identifiers: MedGen C3279695, MONDO:0013545, OMIM 614050.
Dilated cardiomyopathy 1O (CMD1O). Also called: CARDIOMYOPATHY, DILATED, WITH VENTRICULAR TACHYCARDIA. Identifiers: Orphanet 154, MedGen C1837839, MONDO:0012062, OMIM 608569.
Intellectual disability and myopathy syndrome (IDMYS). Identifiers: MedGen C5676904, MONDO:0859224, OMIM 619719.
Hypertrichotic osteochondrodysplasia Cantu type. Also called: Cantu Syndrome; Cantú Syndrome. Identifiers: Orphanet 1517, MedGen C0795905, MONDO:0009406, OMIM 239850.

Allele frequency attached by ClinVar (database versions not stated): TOPMed 0.00002; ExAC 0.00003; gnomAD exomes 0.00006 and 0.00004; ESP Exome Variant Server 0.00008; gnomAD 0.00003.
gnomAD v4.1: 95 of 1,613,268 alleles (0.0059%); highest among the groups gnomAD compares: East Asian, 0.016%; no homozygotes.

Submissions (5):

Labcorp Genetics (formerly Invitae), Labcorp
Classification: Uncertain significance for Dilated cardiomyopathy 1O. Last evaluated: 2025-11-18. Review status: criteria provided, single submitter. Criteria: Invitae Variant Classification Sherloc (09022015). Collection method: clinical testing. Allele origin: germline.
Comment: This sequence change replaces glutamic acid, which is acidic and polar, with lysine, which is basic and polar, at codon 953 of the ABCC9 protein (p.Glu953Lys). This variant is present in population databases (rs143685061, gnomAD 0.006%). This variant has not been reported in the literature in individuals affected with ABCC9-related conditions. ClinVar contains an entry for this variant (Variation ID: 533282). Invitae Evidence Modeling of protein sequence and biophysical properties (such as structural, functional, and spatial information, amino acid conservation, physicochemical variation, residue mobility, and thermodynamic stability) has been performed for this missense variant. However, the output from this modeling did not meet the statistical confidence thresholds required to predict the impact of this variant on ABCC9 protein function. In summary, the available evidence is currently insufficient to determine the role of this variant in disease. Therefore, it has been classified as a Variant of Uncertain Significance.

Ambry Genetics
Classification: Likely benign for Cardiovascular phenotype. Last evaluated: 2023-12-08. Review status: criteria provided, single submitter. Criteria: Ambry Variant Classification Scheme 2023. Collection method: clinical testing. Allele origin: germline.

GeneDx
Classification: Uncertain significance. Last evaluated: 2023-05-25. Review status: criteria provided, single submitter. Criteria: GeneDx Variant Classification Process June 2021. Collection method: clinical testing. Allele origin: germline. Affected: yes.
Comment: In silico analysis supports that this missense variant does not alter protein structure/function; Has not been previously published as pathogenic or benign to our knowledge

Fulgent Genetics
Classification: Uncertain significance for Hypertrichotic osteochondrodysplasia Cantu type; Dilated cardiomyopathy 1O; Atrial fibrillation, familial, 12; Intellectual disability and myopathy syndrome. Last evaluated: 2021-07-19. Review status: criteria provided, single submitter. Criteria: ACMG Guidelines, 2015. Collection method: clinical testing. Allele origin: unknown.

Blueprint Genetics
Classification: Likely benign. Last evaluated: 2018-05-11. Review status: criteria provided, single submitter. Criteria: ACMG Guidelines, 2015. Collection method: clinical testing. Allele origin: germline.